The following is an entry in ClinVar:

ClinVar aggregate classification (germline): Uncertain significance (1 of 4 stars; one submission).

Allele frequency attached by ClinVar (database versions not stated): gnomAD exomes 0.00001.

Submission:

Labcorp Genetics (formerly Invitae), Labcorp
Classification: Uncertain significance. Last evaluated: 2022-07-05. Review status: criteria provided, single submitter. Criteria: Invitae Variant Classification Sherloc (09022015). Collection method: clinical testing. Allele origin: germline.
Comment: This sequence change replaces phenylalanine, which is neutral and non-polar, with leucine, which is neutral and non-polar, at codon 197 of the CLRN1 protein (p.Phe197Leu). This variant is not present in population databases (gnomAD no frequency). This variant has not been reported in the literature in individuals affected with CLRN1-related conditions. Algorithms developed to predict the effect of missense changes on protein structure and function output the following: SIFT: "Tolerated"; PolyPhen-2: "Benign"; Align-GVGD: "Class C0". The leucine amino acid residue is found in multiple mammalian species, which suggests that this missense change does not adversely affect protein function. In summary, the available evidence is currently insufficient to determine the role of this variant in disease. Therefore, it has been classified as a Variant of Uncertain Significance.

NM_174878.3(CLRN1):c.589T>C (p.Phe197Leu)

Gene: CLRN1 (clarin 1; minus strand). Cytogenetic location: 3q25.1.
Variant type: single nucleotide variant.
Coding change: c.589T>C on transcript NM_174878.3 (MANE Select); coding-DNA position 589, T replaced by C.
Protein change: p.Phe197Leu; replaces phenylalanine 197 with leucine.
Molecular consequence: missense variant. On other transcripts: 3 prime UTR variant (1), non-coding transcript variant (1), intron variant (1).
Genome position (GRCh38, 1-based): chr3:150,928,046, A>G on the plus strand (T>C on the coding strand, the complement: CLRN1 is on the minus strand). VCF-style: chr3-150928046-A-G. GRCh37 (hg19) VCF-style: chr3-150645833-A-G.
Other names: c.628T>C, p.Phe210Leu (NM_001195794.1); c.*203T>C (NM_001256819.2); c.342+19T>C (NM_052995.2); short protein forms F210L, F197L.
Identifiers: ClinVar variation 1923240 (VCV001923240.2), dbSNP rs112118981, ClinGen allele CA85680811.